The following is an entry in ClinVar:

NM_000836.4(GRIN2D):c.2508G>A (p.Met836Ile)

Gene: GRIN2D (glutamate ionotropic receptor NMDA type subunit 2D; plus strand). Cytogenetic location: 19q13.33.
Variant type: single nucleotide variant.
Coding change: c.2508G>A on transcript NM_000836.4 (MANE Select); coding-DNA position 2508, G replaced by A.
Protein change: p.Met836Ile; replaces methionine 836 with isoleucine.
Molecular consequence: missense variant.
Genome position (GRCh38, 1-based): chr19:48,442,217, G>A. VCF-style: chr19-48442217-G-A. GRCh37 (hg19) VCF-style: chr19-48945474-G-A.
Other names: short protein forms M836I.
Identifiers: ClinVar variation 2981991 (VCV002981991.3), dbSNP rs2147475407, ClinGen allele CA406670166.

ClinVar aggregate classification (germline): Uncertain significance (1 of 4 stars; one submission).

Allele frequency attached by ClinVar (database versions not stated): gnomAD exomes below 0.00001.
gnomAD v4.1: 1 of 1,614,190 alleles (0.000062%); highest among the groups gnomAD compares: Non-Finnish European, 0.000085%; no homozygotes.

Submission:

Labcorp Genetics (formerly Invitae), Labcorp
Classification: Uncertain significance. Last evaluated: 2023-11-18. Review status: criteria provided, single submitter. Criteria: Invitae Variant Classification Sherloc (09022015). Collection method: clinical testing. Allele origin: germline.
Comment: This sequence change replaces methionine, which is neutral and non-polar, with isoleucine, which is neutral and non-polar, at codon 836 of the GRIN2D protein (p.Met836Ile). This variant is not present in population databases (gnomAD no frequency). This variant has not been reported in the literature in individuals affected with GRIN2D-related conditions. Advanced modeling of protein sequence and biophysical properties (such as structural, functional, and spatial information, amino acid conservation, physicochemical variation, residue mobility, and thermodynamic stability) performed at Invitae indicates that this missense variant is not expected to disrupt GRIN2D protein function with a negative predictive value of 80%. In summary, the available evidence is currently insufficient to determine the role of this variant in disease. Therefore, it has been classified as a Variant of Uncertain Significance.